The following is an entry in ClinVar:

NM_024656.4(COLGALT1):c.96G>A (p.Pro32=)

Genes: COLGALT1 (collagen beta(1-O)galactosyltransferase 1; plus strand), LOC130063952 (ATAC-STARR-seq lymphoblastoid silent region 10355; plus strand). Cytogenetic location: 19p13.11.
Variant type: single nucleotide variant.
Coding change: c.96G>A on transcript NM_024656.4 (MANE Select); coding-DNA position 96, G replaced by A.
Protein change: p.Pro32=; no amino-acid change (proline 32 retained).
Molecular consequence: synonymous variant.
Genome position (GRCh38, 1-based): chr19:17,555,809, G>A. VCF-style: chr19-17555809-G-A. GRCh37 (hg19) VCF-style: chr19-17666618-G-A.
Identifiers: ClinVar variation 3031171 (VCV003031171.2), dbSNP rs1166615610, ClinGen allele CA505971110.
Genomic context (GRCh38, chr19:17,555,809, plus strand): 5'-GCAGCCGCTCCTGGCGCTGCTGCTTCTGCTGCTGGCGCCACTGCCGCCGGGGGCCCCGCC[G>A]GGCGCCGACGCCTACTTCCCCGAGGAGCGCTGGAGCCCGGAGTCGCCCCTGCAGGCGCCG-3'
Protein context (NP_078932.2, residues 22-42): LLAPLPPGAP[Pro32=]GADAYFPEER

ClinVar aggregate classification (germline): Likely benign (0 of 4 stars; one submission).

Conditions:
COLGALT1-related disorder. Also called: COLGALT1-related condition.

Allele frequency attached by ClinVar (database versions not stated): TOPMed below 0.00001.

Submission:

PreventionGenetics, part of Exact Sciences
Classification: Likely benign for COLGALT1-related condition. Last evaluated: 2021-12-30. Review status: no assertion criteria provided. Collection method: clinical testing. Allele origin: germline.
Comment: This variant is classified as likely benign based on ACMG/AMP sequence variant interpretation guidelines (Richards et al. 2015 PMID: 25741868, with internal and published modifications).